The following is an entry in ClinVar:

ClinVar aggregate classification (germline): Uncertain significance. Review status: criteria provided, multiple submitters, no conflicts (2 of 4 stars). 2 submissions from 2 submitters: Uncertain significance (2). Last evaluated 2025-08-13.

Conditions:
Emery-Dreifuss muscular dystrophy 5, autosomal dominant (EDMD5). Also called: EMERY-DREIFUSS MUSCULAR DYSTROPHY 5. Identifiers: Orphanet 261, MedGen C2751805, MONDO:0013072, OMIM 612999.

gnomAD v4.1: 3 of 1,591,930 alleles (0.00019%); highest among the groups gnomAD compares: Non-Finnish European, 0.00026%; no homozygotes.

Submissions (2):

Ambry Genetics
Classification: Uncertain significance. Last evaluated: 2025-08-13. Review status: criteria provided, single submitter. Criteria: Ambry Variant Classification Scheme 2023. Collection method: clinical testing. Allele origin: germline.

Labcorp Genetics (formerly Invitae), Labcorp
Classification: Uncertain significance for Emery-Dreifuss muscular dystrophy 5, autosomal dominant. Last evaluated: 2025-06-04. Review status: criteria provided, single submitter. Criteria: Invitae Variant Classification Sherloc (09022015). Collection method: clinical testing. Allele origin: germline.
Comment: This sequence change replaces arginine, which is basic and polar, with isoleucine, which is neutral and non-polar, at codon 1626 of the SYNE2 protein (p.Arg1626Ile). This variant is present in population databases (rs768647139, gnomAD 0.003%). This variant has not been reported in the literature in individuals affected with SYNE2-related conditions. An algorithm developed to predict the effect of missense changes on protein structure and function (PolyPhen-2) suggests that this variant is likely to be disruptive. In summary, the available evidence is currently insufficient to determine the role of this variant in disease. Therefore, it has been classified as a Variant of Uncertain Significance.

NM_182914.3(SYNE2):c.4877G>T (p.Arg1626Ile)

Gene: SYNE2 (spectrin repeat containing nuclear envelope protein 2; plus strand). Cytogenetic location: 14q23.2.
Variant type: single nucleotide variant.
Coding change: c.4877G>T on transcript NM_182914.3 (MANE Select); coding-DNA position 4877, G replaced by T.
Protein change: p.Arg1626Ile; replaces arginine 1626 with isoleucine.
Molecular consequence: missense variant.
Genome position (GRCh38, 1-based): chr14:64,016,621, G>T. VCF-style: chr14-64016621-G-T. GRCh37 (hg19) VCF-style: chr14-64483339-G-T.
Other names: c.4877G>T, p.Arg1626Ile (NM_015180.6); short protein forms R1626I.
Identifiers: ClinVar variation 4178596 (VCV004178596.2).
Genomic context (GRCh38, chr14:64,016,621, plus strand): 5'-ATAAAATGAAAACTTTTGAAGAGCCCCCTTTTGAAAAAGAGGCTAATATTATTGTGGATA[G>T]ATGGCTTGATGTAAGTGATAATTTCATTGATTGCAAATTTAATTTTGTTTCCAATATTTT-3'
Protein context (NP_878918.2, residues 1616-1636): FEKEANIIVD[Arg1626Ile]WLDINEKTED